The following is an entry in ClinVar:

NM_001105206.3(LAMA4):c.1034C>T (p.Thr345Met)

Gene: LAMA4 (laminin subunit alpha 4; minus strand). Cytogenetic location: 6q21.
Variant type: single nucleotide variant.
Coding change: c.1034C>T on transcript NM_001105206.3 (MANE Select); coding-DNA position 1034, C replaced by T.
Protein change: p.Thr345Met; replaces threonine 345 with methionine.
Molecular consequence: missense variant.
Genome position (GRCh38, 1-based): chr6:112,185,280, G>A on the plus strand (C>T on the coding strand, the complement: LAMA4 is on the minus strand). VCF-style: chr6-112185280-G-A. GRCh37 (hg19) VCF-style: chr6-112506482-G-A.
Other names: c.1013C>T, p.Thr338Met (NM_001105207.3, NM_002290.5); short protein forms T338M, T345M.
Identifiers: ClinVar variation 2625039 (VCV002625039.6), dbSNP rs781832612, ClinGen allele CA3965918.
Genomic context (GRCh38, chr6:112,185,280, plus strand): 5'-AATACATACATACGTACCTTTTCAACTAATTCCTCTACGTCAGACAGAAGGCTTTTCATC[G>A]TGTTCTCAGCATTGTTGATTTGTATCTTTCTTAGGGCGTATTGGTTTTCTCTTTCTGACA-3'
Protein context (NP_001098676.2, residues 335-355): RKIQINNAEN[Thr345Met]MKSLLSDVEE

ClinVar aggregate classification (germline): Uncertain significance. Review status: criteria provided, multiple submitters, no conflicts (2 of 4 stars). 2 submissions from 2 submitters: Uncertain significance (2). Last evaluated 2025-07-14.

Conditions:
Cardiovascular phenotype. Identifiers: MedGen CN230736.
Dilated cardiomyopathy 1JJ (CMD1JJ). Identifiers: Orphanet 154, MedGen C3808935, MONDO:0014095, OMIM 615235.

Allele frequency attached by ClinVar (database versions not stated): TOPMed 0.00001; gnomAD 0.00003.
gnomAD v4.1: 6 of 1,613,122 alleles (0.00037%); highest among the groups gnomAD compares: African/African-American, 0.004%; no homozygotes.

Submissions (2):

Ambry Genetics
Classification: Uncertain significance for Cardiovascular phenotype. Last evaluated: 2025-07-14. Review status: criteria provided, single submitter. Criteria: Ambry Variant Classification Scheme 2023. Collection method: clinical testing. Allele origin: germline.

Labcorp Genetics (formerly Invitae), Labcorp
Classification: Uncertain significance for Dilated cardiomyopathy 1JJ. Last evaluated: 2023-12-04. Review status: criteria provided, single submitter. Criteria: Invitae Variant Classification Sherloc (09022015). Collection method: clinical testing. Allele origin: germline.
Comment: This sequence change replaces threonine, which is neutral and polar, with methionine, which is neutral and non-polar, at codon 338 of the LAMA4 protein (p.Thr338Met). This variant is present in population databases (rs781832612, gnomAD 0.007%). This variant has not been reported in the literature in individuals affected with LAMA4-related conditions. An algorithm developed to predict the effect of missense changes on protein structure and function (PolyPhen-2) suggests that this variant is likely to be disruptive. In summary, the available evidence is currently insufficient to determine the role of this variant in disease. Therefore, it has been classified as a Variant of Uncertain Significance.